The following is an entry in ClinVar:

NM_001220.5(CAMK2B):c.38A>C (p.Glu13Ala)

Gene: CAMK2B (calcium/calmodulin dependent protein kinase II beta; minus strand). Cytogenetic location: 7p13.
Variant type: single nucleotide variant.
Coding change: c.38A>C on transcript NM_001220.5 (MANE Select); coding-DNA position 38, A replaced by C.
Protein change: p.Glu13Ala; replaces glutamic acid 13 with alanine.
Molecular consequence: missense variant.
Genome position (GRCh38, 1-based): chr7:44,325,384, T>G on the plus strand (A>C on the coding strand, the complement: CAMK2B is on the minus strand). VCF-style: chr7-44325384-T-G. GRCh37 (hg19) VCF-style: chr7-44364983-T-G.
Other names: c.38A>C, p.Glu13Ala (NM_001293170.2, NM_172078.3, NM_172079.3 and 5 more transcripts); c.38A>C (NM_001220.4); short protein forms E13A.
Identifiers: ClinVar variation 2748315 (VCV002748315.4), dbSNP rs1797290449, ClinGen allele CA367553345.

ClinVar aggregate classification (germline): Uncertain significance. Review status: criteria provided, multiple submitters, no conflicts (2 of 4 stars). 2 submissions from 2 submitters: Uncertain significance (2). Last evaluated 2025-04-17.

Allele frequency attached by ClinVar (database versions not stated): gnomAD exomes below 0.00001.
gnomAD v4.1: 2 of 1,229,932 alleles (0.00016%); highest among the groups gnomAD compares: Non-Finnish European, 0.00021%; no homozygotes.

Submissions (2):

Labcorp Genetics (formerly Invitae), Labcorp
Classification: Uncertain significance. Last evaluated: 2025-04-17. Review status: criteria provided, single submitter. Criteria: Invitae Variant Classification Sherloc (09022015). Collection method: clinical testing. Allele origin: germline.
Comment: This sequence change replaces glutamic acid, which is acidic and polar, with alanine, which is neutral and non-polar, at codon 13 of the CAMK2B protein (p.Glu13Ala). This variant is not present in population databases (gnomAD no frequency). This variant has not been reported in the literature in individuals affected with CAMK2B-related conditions. ClinVar contains an entry for this variant (Variation ID: 2748315). An algorithm developed to predict the effect of missense changes on protein structure and function (PolyPhen-2) suggests that this variant is likely to be tolerated. In summary, the available evidence is currently insufficient to determine the role of this variant in disease. Therefore, it has been classified as a Variant of Uncertain Significance.

GeneDx
Classification: Uncertain significance. Last evaluated: 2024-08-13. Review status: criteria provided, single submitter. Criteria: GeneDx Variant Classification Process June 2021. Collection method: clinical testing. Allele origin: germline. Affected: yes.
Comment: Not observed at significant frequency in large population cohorts (gnomAD); In silico analysis supports that this missense variant has a deleterious effect on protein structure/function; Has not been previously published as pathogenic or benign to our knowledge